The following is an entry in ClinVar:

ClinVar aggregate classification (germline): Uncertain significance (1 of 4 stars; one submission).

Conditions:
Inborn genetic diseases. Identifiers: MedGen C0950123, MeSH D030342.

Submission:

Ambry Genetics
Classification: Uncertain significance for Inborn genetic diseases. Last evaluated: 2026-08-18. Review status: criteria provided, single submitter. Criteria: Ambry Variant Classification Scheme 2023. Collection method: clinical testing. Allele origin: germline.
Comment: The p.G635E variant (also known as c.1904G>A), located in coding exon 13 of the ERCC6L2 gene, results from a G to A substitution at nucleotide position 1904. The glycine at codon 635 is replaced by glutamic acid, an amino acid with similar properties. This amino acid position is conserved. In addition, this alteration is predicted to be deleterious by in silico analysis. Based on the available evidence, the clinical significance of this variant remains unclear.

NM_020207.7(ERCC6L2):c.1904G>A (p.Gly635Glu)

Gene: ERCC6L2 (ERCC excision repair 6 like 2; plus strand). Cytogenetic location: 9q22.32.
Variant type: single nucleotide variant.
Coding change: c.1904G>A on transcript NM_020207.7 (MANE Select); coding-DNA position 1904, G replaced by A.
Protein change: p.Gly635Glu; replaces glycine 635 with glutamic acid.
Molecular consequence: missense variant. On other transcripts: non-coding transcript variant (1).
Genome position (GRCh38, 1-based): chr9:95,955,970, G>A. VCF-style: chr9-95955970-G-A. GRCh37 (hg19) VCF-style: chr9-98718252-G-A.
Other names: c.1904G>A, p.Gly635Glu (NM_001010895.4, NM_001375291.1, NM_001375292.1 and 2 more transcripts); short protein forms G635E.
Identifiers: ClinVar variation 5036107 (VCV005036107.1).